The following is an entry in ClinVar:

ClinVar aggregate classification (germline): Likely benign (1 of 4 stars; one submission).

Conditions:
SEMA3C-related disorder. Also called: SEMA3C-related condition.

Submission:

PreventionGenetics, part of Exact Sciences
Classification: Likely benign for SEMA3C-related condition. Last evaluated: 2025-12-26. Review status: criteria provided, single submitter. Criteria: ACMG Guidelines, 2015. Collection method: clinical testing. Allele origin: germline.
Comment: This variant is classified as likely benign based on ACMG/AMP sequence variant interpretation guidelines (Richards et al. 2015 PMID: 25741868, with internal and published modifications).

NM_006379.5(SEMA3C):c.1326G>C (p.Gly442=)

Gene: SEMA3C (semaphorin 3C; minus strand). Cytogenetic location: 7q21.11.
Variant type: single nucleotide variant.
Coding change: c.1326G>C on transcript NM_006379.5 (MANE Select); coding-DNA position 1326, G replaced by C.
Protein change: p.Gly442=; no amino-acid change (glycine 442 retained).
Molecular consequence: synonymous variant.
Genome position (GRCh38, 1-based): chr7:80,789,334, C>G on the plus strand (G>C on the coding strand, the complement: SEMA3C is on the minus strand). VCF-style: chr7-80789334-C-G. GRCh37 (hg19) VCF-style: chr7-80418650-C-G.
Other names: c.1380G>C, p.Gly460= (NM_001350120.2); c.1152G>C, p.Gly384= (NM_001350121.2).
Identifiers: ClinVar variation 4993116 (VCV004993116.1).